The following is an entry in ClinVar:

ClinVar aggregate classification (germline): Likely pathogenic (1 of 4 stars; one submission).

Submission:

GeneDx
Classification: Likely pathogenic. Last evaluated: 2015-05-22. Review status: criteria provided, single submitter. Criteria: GeneDx Variant Classification (06012015). Collection method: clinical testing. Allele origin: germline. Affected: yes.
Comment: The P190S variant in the POLG gene has not been published as a pathogenic variant, nor has it been reported as a benign polymorphism to our knowledge. The P190S variant was not observed in approximately 6500 individuals of European and African American ancestry in the NHLBI Exome Sequencing Project, indicating it is not a common benign variant in these populations. The P190S variant is a non-conservative amino acid substitution, which is likely to impact secondary protein structure as these residues differ in polarity, charge, size and/or other properties. This substitution occurs at a position that is conserved across species. In silico analysis predicts this variant is probably damaging to the protein structure/function. The P190S variant is a strong candidate for a disease-causing variant however the possibility it may be a rare benign variant cannot be excluded.

NM_002693.3(POLG):c.568C>T (p.Pro190Ser)

Genes: POLG (DNA polymerase gamma, catalytic subunit; minus strand), POLGARF (POLG alternative reading frame; minus strand). Cytogenetic location: 15q26.1.
Variant type: single nucleotide variant.
Coding change: c.568C>T on transcript NM_002693.3 (MANE Select); coding-DNA position 568, C replaced by T.
Protein change: p.Pro190Ser; replaces proline 190 with serine.
Molecular consequence: missense variant.
Genome position (GRCh38, 1-based): chr15:89,333,187, G>A on the plus strand (C>T on the coding strand, the complement: POLG is on the minus strand). VCF-style: chr15-89333187-G-A. GRCh37 (hg19) VCF-style: chr15-89876418-G-A.
Other names: c.568C>T, p.Pro190Ser (NM_001126131.2); short protein forms P190S.
Identifiers: ClinVar variation 427133 (VCV000427133.2), dbSNP rs1085307976, ClinGen allele CA393770731.